The following is an entry in ClinVar:

ClinVar aggregate classification (germline): Uncertain significance (1 of 4 stars; one submission).

Conditions:
L1CAM-related disorder. Also called: L1CAM-related condition.

Submission:

PreventionGenetics, part of Exact Sciences
Classification: Uncertain significance for L1CAM-related condition. Last evaluated: 2026-08-19. Review status: criteria provided, single submitter. Criteria: ACMG Guidelines, 2015. Collection method: clinical testing. Allele origin: germline.
Comment: The L1CAM c.2320G>A variant is predicted to result in the amino acid substitution p.Val774Met. To our knowledge, this variant has not been reported in the literature or in a large population database (gnomAD), indicating this variant is rare. At this time, the clinical significance of this variant is uncertain due to the absence of conclusive functional and genetic evidence.

NM_001278116.2(L1CAM):c.2320G>A (p.Val774Met)

Gene: L1CAM (L1 cell adhesion molecule; minus strand). Cytogenetic location: Xq28.
Variant type: single nucleotide variant.
Coding change: c.2320G>A on transcript NM_001278116.2 (MANE Select); coding-DNA position 2320, G replaced by A.
Protein change: p.Val774Met; replaces valine 774 with methionine.
Molecular consequence: missense variant.
Genome position (GRCh38, 1-based): chrX:153,866,760, C>T on the plus strand (G>A on the coding strand, the complement: L1CAM is on the minus strand). VCF-style: chrX-153866760-C-T. GRCh37 (hg19) VCF-style: chrX-153132215-C-T.
Other names: c.2320G>A, p.Val774Met (NM_000425.5, NM_024003.3); c.2305G>A, p.Val769Met (NM_001143963.2); short protein forms V769M, V774M.
Identifiers: ClinVar variation 4991109 (VCV004991109.1).